The following is an entry in ClinVar:

NM_001556.3(IKBKB):c.-52del

Genes: IKBKB (inhibitor of nuclear factor kappa B kinase subunit beta; plus strand), LOC130000299 (ATAC-STARR-seq lymphoblastoid silent region 19154; plus strand). Cytogenetic location: 8p11.21.
Variant type: Deletion.
Coding change: c.-52del on transcript NM_001556.3 (MANE Select); 52 bases upstream of the start codon, one base deleted (G; older notation c.-52delG).
Molecular consequence: 5 prime UTR variant. On other transcripts: non-coding transcript variant (3).
Genome position (GRCh38, 1-based): chr8:42,271,436, G deleted; the last of 4 consecutive G bases (chr8:42,271,433-42,271,436); deleting any one gives the same sequence. VCF-style (leftmost placement, unchanged base first): chr8-42271432-CG-C. GRCh37 (hg19) VCF-style: chr8-42128950-CG-C.
Other names: c.-121del (NM_001190720.3); c.-134del (NM_001242778.2).
Identifiers: ClinVar variation 4999331 (VCV004999331.1).
Genomic context (GRCh38, chr8:42,271,432, plus strand): 5'-TGTTTTCAGGGGGGTGTCATAGCCCCGGGTTTGGCCGCCCCAGCCCCGCCTTCCCCGCCC[CG>C]GGGAGCCCGCCCCCTGCCCCGCGTCCCTGCCGACAGGTGAGTCCCCCTCGTGGGTGCGGC-3'

ClinVar aggregate classification (germline): Uncertain significance (1 of 4 stars; one submission).

Conditions:
IKBKB-related disorder. Also called: IKBKB-related condition.

Submission:

PreventionGenetics, part of Exact Sciences
Classification: Uncertain significance for IKBKB-related condition. Last evaluated: 2025-06-14. Review status: criteria provided, single submitter. Criteria: ACMG Guidelines, 2015. Collection method: clinical testing. Allele origin: germline.
Comment: The IKBKB c.66delG variant is predicted to result in a frameshift and premature protein termination (p.Ser23Alafs*41). Using another transcript (NM_001556.2) this variant is also known as c.-52delG, which impacts the pre-coding. To our knowledge, this variant has not been reported in the literature or in a large population database (gnomAD), indicating this variant is rare. At this time, the clinical significance of this variant is uncertain due to the absence of conclusive functional and genetic evidence.